The following is an entry in ClinVar:

ClinVar aggregate classification (germline): Uncertain significance. Review status: criteria provided, multiple submitters, no conflicts (2 of 4 stars). 2 submissions from 2 submitters: Uncertain significance (2). Last evaluated 2025-04-13.

Conditions:
Hereditary cancer-predisposing syndrome. Also called: Tumor predisposition; Hereditary neoplastic syndrome; Neoplastic Syndromes, Hereditary; Hereditary Cancer Syndrome. Identifiers: Orphanet 140162, MedGen C0027672, MeSH D009386, MONDO:0015356.
Cardiovascular phenotype. Identifiers: MedGen CN230736.
Neurofibromatosis, type 1 (NF1). Also called: VON RECKLINGHAUSEN DISEASE; NEUROFIBROMATOSIS, TYPE I, SOMATIC; Peripheral type neurofibromatosis; Neurofibromatosis, type I. Identifiers: Orphanet 636, MedGen C0027831, MONDO:0018975, OMIM 162200. Disease mechanism: loss of function.

Submissions (2):

Labcorp Genetics (formerly Invitae), Labcorp
Classification: Uncertain significance for Neurofibromatosis, type 1. Last evaluated: 2025-04-13. Review status: criteria provided, single submitter. Criteria: Invitae Variant Classification Sherloc (09022015). Collection method: clinical testing. Allele origin: germline.
Comment: This sequence change replaces glutamic acid, which is acidic and polar, with valine, which is neutral and non-polar, at codon 2336 of the NF1 protein (p.Glu2336Val). This variant is not present in population databases (gnomAD no frequency). This variant has not been reported in the literature in individuals affected with NF1-related conditions. ClinVar contains an entry for this variant (Variation ID: 1496129). Invitae Evidence Modeling of protein sequence and biophysical properties (such as structural, functional, and spatial information, amino acid conservation, physicochemical variation, residue mobility, and thermodynamic stability) indicates that this missense variant is expected to disrupt NF1 protein function with a positive predictive value of 95%. In summary, the available evidence is currently insufficient to determine the role of this variant in disease. Therefore, it has been classified as a Variant of Uncertain Significance.

Ambry Genetics
Classification: Uncertain significance for Cardiovascular phenotype; Hereditary cancer-predisposing syndrome. Last evaluated: 2022-12-19. Review status: criteria provided, single submitter. Criteria: Ambry Variant Classification Scheme 2023. Collection method: clinical testing. Allele origin: germline.
Comment: The p.E2336V variant (also known as c.7007A>T), located in coding exon 47 of the NF1 gene, results from an A to T substitution at nucleotide position 7007. The glutamic acid at codon 2336 is replaced by valine, an amino acid with dissimilar properties. This amino acid position is conserved. In addition, this alteration is predicted to be tolerated by in silico analysis. Since supporting evidence is limited at this time, the clinical significance of this alteration remains unclear.

NM_001042492.3(NF1):c.7070A>T (p.Glu2357Val)

Gene: NF1 (neurofibromin 1; plus strand). Cytogenetic location: 17q11.2.
Variant type: single nucleotide variant.
Coding change: c.7070A>T on transcript NM_001042492.3 (MANE Select); coding-DNA position 7070, A replaced by T.
Protein change: p.Glu2357Val; replaces glutamic acid 2357 with valine.
Molecular consequence: missense variant.
Genome position (GRCh38, 1-based): chr17:31,343,016, A>T. VCF-style: chr17-31343016-A-T. GRCh37 (hg19) VCF-style: chr17-29670034-A-T.
Other names: c.7007A>T, p.Glu2336Val (NM_000267.4); short protein forms E2336V, E2357V.
Identifiers: ClinVar variation 1496129 (VCV001496129.9), dbSNP rs786203596, ClinGen allele CA399015516.